The following is an entry in ClinVar:

ClinVar aggregate classification (germline): Uncertain significance. Review status: criteria provided, multiple submitters, no conflicts (2 of 4 stars). 2 submissions from 2 submitters: Uncertain significance (2). Last evaluated 2024-12-29.

Conditions:
Inborn genetic diseases. Identifiers: MedGen C0950123, MeSH D030342.

Allele frequency attached by ClinVar (database versions not stated): gnomAD exomes below 0.00001; gnomAD 0.00007; TOPMed 0.00008.
gnomAD v4.1: 15 of 1,613,242 alleles (0.00093%); highest among the groups gnomAD compares: African/African-American, 0.019%; no homozygotes.

Submissions (2):

Ambry Genetics
Classification: Uncertain significance for Inborn genetic diseases. Last evaluated: 2024-12-29. Review status: criteria provided, single submitter. Criteria: Ambry Variant Classification Scheme 2023. Collection method: clinical testing. Allele origin: germline.

Labcorp Genetics (formerly Invitae), Labcorp
Classification: Uncertain significance. Last evaluated: 2022-07-19. Review status: criteria provided, single submitter. Criteria: Invitae Variant Classification Sherloc (09022015). Collection method: clinical testing. Allele origin: germline.
Comment: This sequence change replaces serine, which is neutral and polar, with threonine, which is neutral and polar, at codon 1017 of the VPS13A protein (p.Ser1017Thr). This variant is present in population databases (rs148282411, gnomAD 0.02%). This variant has not been reported in the literature in individuals affected with VPS13A-related conditions. Algorithms developed to predict the effect of missense changes on protein structure and function (SIFT, PolyPhen-2, Align-GVGD) all suggest that this variant is likely to be tolerated. In summary, the available evidence is currently insufficient to determine the role of this variant in disease. Therefore, it has been classified as a Variant of Uncertain Significance.

NM_033305.3(VPS13A):c.3049T>A (p.Ser1017Thr)

Gene: VPS13A (vacuolar protein sorting 13 homolog A; plus strand). Cytogenetic location: 9q21.2.
Variant type: single nucleotide variant.
Coding change: c.3049T>A on transcript NM_033305.3 (MANE Select); coding-DNA position 3049, T replaced by A.
Protein change: p.Ser1017Thr; replaces serine 1017 with threonine.
Molecular consequence: missense variant.
Genome position (GRCh38, 1-based): chr9:77,282,205, T>A. VCF-style: chr9-77282205-T-A. GRCh37 (hg19) VCF-style: chr9-79897121-T-A.
Other names: c.3049T>A, p.Ser1017Thr (NM_001018037.2, NM_001018038.3, NM_015186.4); c.3049T>A (NM_033305.2); short protein forms S1017T.
Identifiers: ClinVar variation 2198513 (VCV002198513.2), dbSNP rs148282411, ClinGen allele CA194379552.
Genomic context (GRCh38, chr9:77,282,205, plus strand): 5'-CATTTACACACTGAAGCACTTCTGAATACAATAAATTATCTTCATAATATCCTTCCGCAA[T>A]CAGAGGAAAAATCAGCCCCAGTGTCCACTACAGAGACTGAAGACAAAGGAGATGTCATTA-3'
Protein context (NP_150648.2, residues 1007-1027): INYLHNILPQ[Ser1017Thr]EEKSAPVSTT